The following is an entry in ClinVar:

NM_006947.4(SRP72):c.826G>A (p.Asp276Asn)

Gene: SRP72 (signal recognition particle 72; plus strand). Cytogenetic location: 4q12.
Variant type: single nucleotide variant.
Coding change: c.826G>A on transcript NM_006947.4 (MANE Select); coding-DNA position 826, G replaced by A.
Protein change: p.Asp276Asn; replaces aspartic acid 276 with asparagine.
Molecular consequence: missense variant. On other transcripts: non-coding transcript variant (1).
Genome position (GRCh38, 1-based): chr4:56,483,139, G>A. VCF-style: chr4-56483139-G-A. GRCh37 (hg19) VCF-style: chr4-57349305-G-A.
Other names: c.643G>A, p.Asp215Asn (NM_001267722.2); short protein forms D276N, D215N.
Identifiers: ClinVar variation 3962072 (VCV003962072.1).

ClinVar aggregate classification (germline): Uncertain significance (1 of 4 stars; one submission).

Submission:

Ambry Genetics
Classification: Uncertain significance. Last evaluated: 2025-04-12. Review status: criteria provided, single submitter. Criteria: Ambry Variant Classification Scheme 2023. Collection method: clinical testing. Allele origin: germline.
Comment: The p.D276N variant (also known as c.826G>A) is located in coding exon 9 of the SRP72 gene. The aspartic acid at codon 276 is replaced by asparagine, an amino acid with highly similar properties. This change occurs in the first base pair of coding exon 9. This amino acid position is conserved. In addition, the in silico prediction for this alteration is inconclusive. Based on the available evidence, the clinical significance of this variant remains unclear.